The following is an entry in ClinVar:

ClinVar aggregate classification (germline): Likely benign. Review status: criteria provided, multiple submitters, no conflicts (2 of 4 stars). 2 submissions from 2 submitters: Likely benign (2). Last evaluated 2024-12-01.

gnomAD v4.1: 95 of 1,243,528 alleles (0.0076%); highest among the groups gnomAD compares: Middle Eastern, 0.076%; 1 homozygote.

Submissions (2):

CeGaT Center for Human Genetics Tuebingen
Classification: Likely benign. Last evaluated: 2024-12-01. Review status: criteria provided, single submitter. Criteria: CeGaT Center For Human Genetics Tuebingen Variant Classification Criteria Version 2. Collection method: clinical testing. Allele origin: germline. Affected: yes. Observed: 1 variant allele.
Comment: POU4F1: BP4, BP7

Blueprint Genetics
Classification: Likely benign. Last evaluated: 2023-09-19. Review status: criteria provided, single submitter. Criteria: ACMG Guidelines, 2015. Collection method: clinical testing. Allele origin: germline.

NM_006237.4(POU4F1):c.378G>A (p.Ala126=)

Genes: OBI1-AS1 (OBI1 antisense RNA 1; plus strand), POU4F1 (POU class 4 homeobox 1; minus strand). Cytogenetic location: 13q31.1.
Variant type: single nucleotide variant.
Coding change: c.378G>A on transcript NM_006237.4 (MANE Select); coding-DNA position 378, G replaced by A.
Protein change: p.Ala126=; no amino-acid change (alanine 126 retained).
Molecular consequence: synonymous variant.
Genome position (GRCh38, 1-based): chr13:78,602,297, C>T on the plus strand (G>A on the coding strand, the complement: POU4F1 is on the minus strand). VCF-style: chr13-78602297-C-T. GRCh37 (hg19) VCF-style: chr13-79176432-C-T.
Identifiers: ClinVar variation 3770901 (VCV003770901.14).
Genomic context (GRCh38, chr13:78,602,297, plus strand): 5'-GCCGTCGTGGGCGCCGCCGCCGCCGGCCGCCGCGCCCGCGCCGCCCGCGCCGGCCATGAG[C>T]GCGAGCGACGGCGAGGAGATGTGGTCCAGCAGATCGCCGGGTTCGAGCGCCTGGTGGTGG-3'
Protein context (NP_006228.3, residues 116-136): LLDHISSPSL[Ala126=]LMAGAGGAGA